The following is an entry in ClinVar:

NM_014915.3(ANKRD26):c.4273A>G (p.Thr1425Ala)

Gene: ANKRD26 (ankyrin repeat domain 26; minus strand). Cytogenetic location: 10p12.1.
Variant type: single nucleotide variant.
Coding change: c.4273A>G on transcript NM_014915.3 (MANE Select); coding-DNA position 4273, A replaced by G.
Protein change: p.Thr1425Ala; replaces threonine 1425 with alanine.
Molecular consequence: missense variant.
Genome position (GRCh38, 1-based): chr10:27,017,735, T>C on the plus strand (A>G on the coding strand, the complement: ANKRD26 is on the minus strand). VCF-style: chr10-27017735-T-C. GRCh37 (hg19) VCF-style: chr10-27306664-T-C.
Other names: c.4270A>G, p.Thr1424Ala (NM_001256053.2); short protein forms T1425A, T1424A.
Identifiers: ClinVar variation 4580812 (VCV004580812.2).

ClinVar aggregate classification (germline): Conflicting classifications of pathogenicity. Review status: criteria provided, conflicting classifications (1 of 4 stars). 2 submissions from 2 submitters: Uncertain significance (1); Likely benign (1). Last evaluated 2025-12-12.

Conditions:
Inborn genetic diseases. Identifiers: MedGen C0950123, MeSH D030342.

gnomAD v4.1: 4 of 1,613,074 alleles (0.00025%); highest among the groups gnomAD compares: East Asian, 0.0089%; no homozygotes.

Submissions (2):

Labcorp Genetics (formerly Invitae), Labcorp
Classification: Uncertain significance. Last evaluated: 2025-12-12. Review status: criteria provided, single submitter. Criteria: Invitae Variant Classification Sherloc (09022015). Collection method: clinical testing. Allele origin: germline.
Comment: This sequence change replaces threonine, which is neutral and polar, with alanine, which is neutral and non-polar, at codon 1425 of the ANKRD26 protein (p.Thr1425Ala). This variant is not present in population databases (gnomAD no frequency). This variant has not been reported in the literature in individuals affected with ANKRD26-related conditions. An algorithm developed to predict the effect of missense changes on protein structure and function outputs the following: PolyPhen-2: "Benign". The alanine amino acid residue is found in multiple mammalian species, which suggests that this missense change does not adversely affect protein function. In summary, the available evidence is currently insufficient to determine the role of this variant in disease. Therefore, it has been classified as a Variant of Uncertain Significance.

Ambry Genetics
Classification: Likely benign for Inborn genetic diseases. Last evaluated: 2025-11-23. Review status: criteria provided, single submitter. Criteria: Ambry Variant Classification Scheme 2023. Collection method: clinical testing. Allele origin: germline.